The following is an entry in ClinVar:

NM_022455.5(NSD1):c.1372G>A (p.Glu458Lys)

Gene: NSD1 (nuclear receptor binding SET domain protein 1; plus strand). Cytogenetic location: 5q35.3.
Variant type: single nucleotide variant.
Coding change: c.1372G>A on transcript NM_022455.5 (MANE Select); coding-DNA position 1372, G replaced by A.
Protein change: p.Glu458Lys; replaces glutamic acid 458 with lysine.
Molecular consequence: missense variant.
Genome position (GRCh38, 1-based): chr5:177,209,771, G>A. VCF-style: chr5-177209771-G-A. GRCh37 (hg19) VCF-style: chr5-176636772-G-A.
Other names: c.499G>A, p.Glu167Lys (NM_001365684.2, NM_001409306.1, NM_001409307.1 and 3 more transcripts); c.1372G>A, p.Glu458Lys (NM_001409301.1, NM_001409302.1, NM_001409303.1); c.952G>A, p.Glu318Lys (NM_001409304.1); c.619G>A, p.Glu207Lys (NM_001409305.1); short protein forms E167K, E207K, E318K, E458K.
Identifiers: ClinVar variation 2661949 (VCV002661949.1), dbSNP rs2149842728, ClinGen allele CA362309050.

ClinVar aggregate classification (germline): Uncertain significance (1 of 4 stars; one submission).

Submission:

GeneDx
Classification: Uncertain significance. Last evaluated: 2023-04-30. Review status: criteria provided, single submitter. Criteria: GeneDx Variant Classification Process June 2021. Collection method: clinical testing. Allele origin: germline. Affected: yes.
Comment: Not observed at significant frequency in large population cohorts (gnomAD); In silico analysis supports that this missense variant does not alter protein structure/function; Has not been previously published as pathogenic or benign to our knowledge